The following is an entry in ClinVar:

ClinVar aggregate classification (germline): Likely benign (0 of 4 stars; one submission).

Conditions:
APAF1-related disorder. Also called: APAF1-related condition.

Allele frequency attached by ClinVar (database versions not stated): gnomAD 0.00004; TOPMed 0.00004; ExAC 0.00005; gnomAD exomes 0.00005.
gnomAD v4.1: 74 of 1,613,372 alleles (0.0046%); highest among the groups gnomAD compares: Non-Finnish European, 0.006%; no homozygotes.

Submission:

PreventionGenetics, part of Exact Sciences
Classification: Likely benign for APAF1-related condition. Last evaluated: 2019-05-20. Review status: no assertion criteria provided. Collection method: clinical testing. Allele origin: germline.
Comment: This variant is classified as likely benign based on ACMG/AMP sequence variant interpretation guidelines (Richards et al. 2015 PMID: 25741868, with internal and published modifications).

NM_181861.2(APAF1):c.2748G>A (p.Lys916=)

Gene: APAF1 (apoptotic peptidase activating factor 1; plus strand). Cytogenetic location: 12q23.1.
Variant type: single nucleotide variant.
Coding change: c.2748G>A on transcript NM_181861.2 (MANE Select); coding-DNA position 2748, G replaced by A.
Protein change: p.Lys916=; no amino-acid change (lysine 916 retained).
Molecular consequence: synonymous variant. On other transcripts: intron variant (1).
Genome position (GRCh38, 1-based): chr12:98,708,611, G>A. VCF-style: chr12-98708611-G-A. GRCh37 (hg19) VCF-style: chr12-99102389-G-A.
Other names: c.2586G>A, p.Lys862= (NM_001160.3); c.2715G>A, p.Lys905= (NM_013229.3); c.2619G>A, p.Lys873= (NM_181868.2); c.956-23809G>A (NM_181869.2).
Identifiers: ClinVar variation 3042337 (VCV003042337.2), dbSNP rs755943177, ClinGen allele CA6734341.
Genomic context (GRCh38, chr12:98,708,611, plus strand): 5'-AGATGGAATGATAATTTCTTTATCTCTTAATCAGCTCTGGGAGACAAAGAAAGTATGTAA[G>A]AACTCTGCTGTAATGTTAAAGCAAGAAGTAGATGTTGTGTTTCAAGAAAATGAAGTGATG-3'
Protein context (NP_863651.1, residues 906-926): IRLWETKKVC[Lys916=]NSAVMLKQEV